The following is an entry in ClinVar:

ClinVar aggregate classification (germline): Pathogenic (1 of 4 stars; one submission).

Submission:

ISCA site 4
Classification: Pathogenic. Last evaluated: 2011-08-12. Review status: criteria provided, single submitter. Criteria: Kaminsky et al. (Genet Med. 2011). Collection method: clinical testing. Allele origin: unknown. Affected: yes. Observed: 1 variant allele.
Comment: Copy number variation identified through the course of routine clinical cytogenomic testing in postnatal populations. Clinical assertions have been curated as described in Kaminsky et al. 2011.

GRCh38/hg38 5q14.3-21.1(chr5:87376883-101524443)x1

Genes: ADGRV1 (adhesion G protein-coupled receptor V1; plus strand), ARB2A (ARB2 cotranscriptional regulator A; minus strand), ARRDC3 (arrestin domain containing 3; minus strand), ARRDC3-AS1 (ARRDC3 antisense RNA 1; plus strand), ARSK (arylsulfatase family member K; plus strand) and 275 more. Cytogenetic location: 5q14.3-21.1.
Variant type: copy number loss.
Change: copy number 1 (one copy instead of two) of chr5:87,376,883-101,524,443 (14.15 Mb, GRCh38 coordinates, 1-based), cytogenetic band 5q14.3-21.1.
Identifiers: ClinVar variation 57272 (VCV000057272.1).